The following is an entry in ClinVar:

ClinVar aggregate classification (germline): Pathogenic (1 of 4 stars; one submission).

Conditions:
Hereditary cancer-predisposing syndrome. Also called: Neoplastic Syndromes, Hereditary; Tumor predisposition; Hereditary Cancer Syndrome; Hereditary neoplastic syndrome. Identifiers: Orphanet 140162, MedGen C0027672, MeSH D009386, MONDO:0015356.

Submission:

Ambry Genetics
Classification: Pathogenic for Hereditary cancer-predisposing syndrome. Last evaluated: 2022-04-04. Review status: criteria provided, single submitter. Criteria: Ambry Variant Classification Scheme 2023. Collection method: clinical testing. Allele origin: germline.
Comment: The c.1928delT pathogenic mutation, located in coding exon 10 of the BRCA2 gene, results from a deletion of one nucleotide at nucleotide position 1928, causing a translational frameshift with a predicted alternate stop codon (p.V643Gfs*17). This alteration is expected to result in loss of function by premature protein truncation or nonsense-mediated mRNA decay. As such, this alteration is interpreted as a disease-causing mutation.

NM_000059.4(BRCA2):c.1928del (p.Val643fs)

Gene: BRCA2 (BRCA2 DNA repair associated; plus strand). Cytogenetic location: 13q13.1.
Variant type: Deletion.
Coding change: c.1928del on transcript NM_000059.4 (MANE Select); coding-DNA position 1928, one base deleted (T; older notation c.1928delT).
Protein change: p.Val643fs; shifts the reading frame from valine 643.
Molecular consequence: frameshift variant.
Genome position (GRCh38, 1-based): chr13:32,336,283, T deleted. VCF-style (leftmost placement, unchanged base first): chr13-32336282-GT-G. GRCh37 (hg19) VCF-style: chr13-32910419-GT-G.
Other names: c.1928delT, p.Val643Glyfs (NM_001406719.1, NM_001406720.1); short protein forms V643fs.
Identifiers: ClinVar variation 1782804 (VCV001782804.2), dbSNP rs2548522789, ClinGen allele CA2580087174.